The following is an entry in ClinVar:

ClinVar aggregate classification (germline): Uncertain significance (1 of 4 stars; one submission).

Submission:

Labcorp Genetics (formerly Invitae), Labcorp
Classification: Uncertain significance. Last evaluated: 2022-01-17. Review status: criteria provided, single submitter. Criteria: Invitae Variant Classification Sherloc (09022015). Collection method: clinical testing. Allele origin: germline.
Comment: This sequence change replaces glutamine, which is neutral and polar, with glutamic acid, which is acidic and polar, at codon 883 of the C3 protein (p.Gln883Glu). In summary, the available evidence is currently insufficient to determine the role of this variant in disease. Therefore, it has been classified as a Variant of Uncertain Significance. Algorithms developed to predict the effect of missense changes on protein structure and function (SIFT, PolyPhen-2, Align-GVGD) all suggest that this variant is likely to be tolerated. This variant has not been reported in the literature in individuals affected with C3-related conditions. This variant is present in population databases (no rsID available, gnomAD 0.01%).

NM_000064.4(C3):c.2647C>G (p.Gln883Glu)

Gene: C3 (complement C3; minus strand). Cytogenetic location: 19p13.3.
Variant type: single nucleotide variant.
Coding change: c.2647C>G on transcript NM_000064.4 (MANE Select); coding-DNA position 2647, C replaced by G.
Protein change: p.Gln883Glu; replaces glutamine 883 with glutamic acid.
Molecular consequence: missense variant.
Genome position (GRCh38, 1-based): chr19:6,697,493, G>C on the plus strand (C>G on the coding strand, the complement: C3 is on the minus strand). VCF-style: chr19-6697493-G-C. GRCh37 (hg19) VCF-style: chr19-6697504-G-C.
Other names: short protein forms Q883E.
Identifiers: ClinVar variation 2087385 (VCV002087385.4), dbSNP rs1414160139, ClinGen allele CA403633191.